The following is an entry in ClinVar:

NM_172245.4(CSF2RA):c.530G>A (p.Gly177Glu)

Gene: CSF2RA (colony stimulating factor 2 receptor subunit alpha; plus strand). Cytogenetic location: Xp22.33.
Variant type: single nucleotide variant.
Coding change: c.530G>A on transcript NM_172245.4 (MANE Select); coding-DNA position 530, G replaced by A.
Protein change: p.Gly177Glu; replaces glycine 177 with glutamic acid.
Molecular consequence: missense variant. On other transcripts: non-coding transcript variant (1).
Genome position (GRCh38, 1-based): chrX:1,290,393, G>A. VCF-style: chrX-1290393-G-A. GRCh37 (hg19) VCF-style: chrX-1409286-G-A.
Other names: c.530G>A, p.Gly177Glu (NM_001161530.2, NM_001379163.1, NM_001379164.1 and 20 more transcripts); c.131G>A, p.Gly44Glu (NM_001161532.2); short protein forms G177E, G44E.
Identifiers: ClinVar variation 577632 (VCV000577632.10), dbSNP rs142203271, ClinGen allele CA412235597.

ClinVar aggregate classification (germline): Uncertain significance (1 of 4 stars; one submission).

Conditions:
Surfactant metabolism dysfunction, pulmonary, 4 (SMDP4). Also called: PAP DUE TO CSF2RA DEFICIENCY; PULMONARY ALVEOLAR PROTEINOSIS, CONGENITAL, 4; CSF2RA DEFICIENCY. Identifiers: Orphanet 264675, MedGen C2677877, MONDO:0010424, OMIM 300770.

Allele frequency attached by ClinVar (database versions not stated): TOPMed 0.00001.
gnomAD v4.1: 6 of 1,613,188 alleles (0.00037%); highest among the groups gnomAD compares: African/African-American, 0.0053%; no homozygotes.

Submission:

Labcorp Genetics (formerly Invitae), Labcorp
Classification: Uncertain significance for Surfactant metabolism dysfunction, pulmonary, 4. Last evaluated: 2022-12-06. Review status: criteria provided, single submitter. Criteria: Invitae Variant Classification Sherloc (09022015). Collection method: clinical testing. Allele origin: germline.
Comment: ClinVar contains an entry for this variant (Variation ID: 577632). This variant has not been reported in the literature in individuals affected with CSF2RA-related conditions. This variant is present in population databases (no rsID available, gnomAD 0.008%). This sequence change replaces glycine, which is neutral and non-polar, with glutamic acid, which is acidic and polar, at codon 177 of the CSF2RA protein (p.Gly177Glu). Advanced modeling of protein sequence and biophysical properties (such as structural, functional, and spatial information, amino acid conservation, physicochemical variation, residue mobility, and thermodynamic stability) performed at Invitae indicates that this missense variant is expected to disrupt CSF2RA protein function. In summary, the available evidence is currently insufficient to determine the role of this variant in disease. Therefore, it has been classified as a Variant of Uncertain Significance.